The following is an entry in ClinVar:

NM_138773.4(SLC25A46):c.1012T>C (p.Leu338=)

Gene: SLC25A46 (solute carrier family 25 member 46; plus strand). Cytogenetic location: 5q22.1.
Variant type: single nucleotide variant.
Coding change: c.1012T>C on transcript NM_138773.4 (MANE Select); coding-DNA position 1012, T replaced by C.
Protein change: p.Leu338=; no amino-acid change (leucine 338 retained).
Molecular consequence: synonymous variant. On other transcripts: non-coding transcript variant (1).
Genome position (GRCh38, 1-based): chr5:110,761,537, T>C. VCF-style: chr5-110761537-T-C. GRCh37 (hg19) VCF-style: chr5-110097237-T-C.
Other names: c.769T>C, p.Leu257= (NM_001303249.3); c.739T>C, p.Leu247= (NM_001303250.3).
Identifiers: ClinVar variation 1298998 (VCV001298998.38), dbSNP rs1427862087, ClinGen allele CA445964714.
Genomic context (GRCh38, chr5:110,761,537, plus strand): 5'-ATTGCTAACTTTGCTGCCAGTCTTTGTTCTGACGTTATACTTTACCCATTGGAAACAGTT[T>C]TGCACCGCCTTCACATTCAAGGAACACGCACAATAATTGACAATACAGACCTTGGCTATG-3'
Protein context (NP_620128.1, residues 328-348): DVILYPLETV[Leu338=]HRLHIQGTRT

ClinVar aggregate classification (germline): Likely benign. Review status: criteria provided, multiple submitters, no conflicts (2 of 4 stars). 2 submissions from 2 submitters: Likely benign (2). Last evaluated 2024-10-09.

Conditions:
Neuropathy, hereditary motor and sensory, type 6B (HMSN6B). Also called: NEUROPATHY, HEREDITARY MOTOR AND SENSORY, TYPE VIB, WITH OPTIC ATROPHY; Neuropathy, hereditary motor and sensory, type VIB; HMSN VIB; CHARCOT-MARIE-TOOTH DISEASE, TYPE 6B. Identifiers: MedGen C4225302, MONDO:0014671, OMIM 616505.

Allele frequency attached by ClinVar (database versions not stated): gnomAD 0.00001; TOPMed 0.00001; gnomAD exomes 0.00003.
gnomAD v4.1: 45 of 1,613,708 alleles (0.0028%); highest among the groups gnomAD compares: Non-Finnish European, 0.0035%; no homozygotes.

Submissions (2):

Labcorp Genetics (formerly Invitae), Labcorp
Classification: Likely benign for Neuropathy, hereditary motor and sensory, type 6B. Last evaluated: 2024-10-09. Review status: criteria provided, single submitter. Criteria: Invitae Variant Classification Sherloc (09022015). Collection method: clinical testing. Allele origin: germline.

CeGaT Center for Human Genetics Tuebingen
Classification: Likely benign. Last evaluated: 2024-07-01. Review status: criteria provided, single submitter. Criteria: CeGaT Center For Human Genetics Tuebingen Variant Classification Criteria Version 2. Collection method: clinical testing. Allele origin: germline. Affected: yes. Observed: 2 variant alleles.
Comment: SLC25A46: BP4, BP7